The following is an entry in ClinVar:

ClinVar aggregate classification (germline): Likely benign (1 of 4 stars; one submission).

Submission:

CeGaT Center for Human Genetics Tuebingen
Classification: Likely benign. Last evaluated: 2025-01-01. Review status: criteria provided, single submitter. Criteria: CeGaT Center For Human Genetics Tuebingen Variant Classification Criteria Version 2. Collection method: clinical testing. Allele origin: germline. Affected: yes. Observed: 1 variant allele.
Comment: RNF213: BP4, BP7

NM_001256071.3(RNF213):c.10326C>T (p.Ile3442=)

Genes: RNF213 (ring finger protein 213; plus strand), RNF213-AS1 (RNF213 antisense RNA 1; minus strand). Cytogenetic location: 17q25.3.
Variant type: single nucleotide variant.
Coding change: c.10326C>T on transcript NM_001256071.3 (MANE Select); coding-DNA position 10326, C replaced by T.
Protein change: p.Ile3442=; no amino-acid change (isoleucine 3442 retained).
Molecular consequence: synonymous variant. On other transcripts: non-coding transcript variant (1).
Genome position (GRCh38, 1-based): chr17:80,352,962, C>T. VCF-style: chr17-80352962-C-T. GRCh37 (hg19) VCF-style: chr17-78326762-C-T.
Other names: c.10473C>T, p.Ile3491= (NM_001410195.1, NM_020914.5).
Identifiers: ClinVar variation 3771028 (VCV003771028.13).